The following is an entry in ClinVar:

ClinVar aggregate classification (germline): Uncertain significance (1 of 4 stars; one submission).

Submission:

Labcorp Genetics (formerly Invitae), Labcorp
Classification: Uncertain significance. Last evaluated: 2025-03-26. Review status: criteria provided, single submitter. Criteria: Invitae Variant Classification Sherloc (09022015). Collection method: clinical testing. Allele origin: germline.
Comment: This sequence change replaces glycine, which is neutral and non-polar, with arginine, which is basic and polar, at codon 479 of the MYLK3 protein (p.Gly479Arg). This variant is not present in population databases (gnomAD no frequency). This variant has not been reported in the literature in individuals affected with MYLK3-related conditions. An algorithm developed to predict the effect of missense changes on protein structure and function (PolyPhen-2) suggests that this variant is likely to be disruptive. In summary, the available evidence is currently insufficient to determine the role of this variant in disease. Therefore, it has been classified as a Variant of Uncertain Significance.

NM_182493.3(MYLK3):c.1435G>C (p.Gly479Arg)

Gene: MYLK3 (myosin light chain kinase 3; minus strand). Cytogenetic location: 16q11.2.
Variant type: single nucleotide variant.
Coding change: c.1435G>C on transcript NM_182493.3 (MANE Select); coding-DNA position 1435, G replaced by C.
Protein change: p.Gly479Arg; replaces glycine 479 with arginine.
Molecular consequence: missense variant.
Genome position (GRCh38, 1-based): chr16:46,732,235, C>G on the plus strand (G>C on the coding strand, the complement: MYLK3 is on the minus strand). VCF-style: chr16-46732235-C-G. GRCh37 (hg19) VCF-style: chr16-46766147-C-G.
Other names: c.412G>C, p.Gly138Arg (NM_001308301.1); short protein forms G138R, G479R.
Identifiers: ClinVar variation 4765682 (VCV004765682.1).